The following is an entry in ClinVar:

ClinVar aggregate classification (germline): Uncertain significance (1 of 4 stars; one submission).

Conditions:
Inborn genetic diseases. Identifiers: MedGen C0950123, MeSH D030342.

gnomAD v4.1: 1 of 1,578,638 alleles (0.000063%); highest among the groups gnomAD compares: Non-Finnish European, 0.000086%; no homozygotes.

Submission:

Ambry Genetics
Classification: Uncertain significance for Inborn genetic diseases. Last evaluated: 2024-04-26. Review status: criteria provided, single submitter. Criteria: Ambry Variant Classification Scheme 2023. Collection method: clinical testing. Allele origin: germline.
Comment: The p.Q448E variant (also known as c.1342C>G), located in coding exon 10 of the EPAS1 gene, results from a C to G substitution at nucleotide position 1342. The glutamine at codon 448 is replaced by glutamic acid, an amino acid with highly similar properties. This amino acid position is conserved. In addition, this alteration is predicted to be tolerated by in silico analysis. Based on the available evidence, the clinical significance of this variant remains unclear.

NM_001430.5(EPAS1):c.1342C>G (p.Gln448Glu)

Gene: EPAS1 (endothelial PAS domain protein 1; plus strand). Cytogenetic location: 2p21.
Variant type: single nucleotide variant.
Coding change: c.1342C>G on transcript NM_001430.5 (MANE Select); coding-DNA position 1342, C replaced by G.
Protein change: p.Gln448Glu; replaces glutamine 448 with glutamic acid.
Molecular consequence: missense variant.
Genome position (GRCh38, 1-based): chr2:46,377,986, C>G. VCF-style: chr2-46377986-C-G. GRCh37 (hg19) VCF-style: chr2-46605125-C-G.
Other names: short protein forms Q448E.
Identifiers: ClinVar variation 3275708 (VCV003275708.1).